The following is an entry in ClinVar:

ClinVar aggregate classification (germline): Uncertain significance (1 of 4 stars; one submission).

Submission:

Labcorp Genetics (formerly Invitae), Labcorp
Classification: Uncertain significance. Last evaluated: 2025-07-16. Review status: criteria provided, single submitter. Criteria: Invitae Variant Classification Sherloc (09022015). Collection method: clinical testing. Allele origin: germline.
Comment: This sequence change falls in intron 2 of the TBXA2R gene. It does not directly change the encoded amino acid sequence of the TBXA2R protein. This variant is not present in population databases (gnomAD no frequency). This variant has not been reported in the literature in individuals affected with TBXA2R-related conditions. Experimental studies and prediction algorithms are not available or were not evaluated, and the effect of this variant on mRNA splicing is currently unknown. In summary, the available evidence is currently insufficient to determine the role of this variant in disease. Therefore, it has been classified as a Variant of Uncertain Significance.

NM_001060.6(TBXA2R):c.787-65_787-8dup

Gene: TBXA2R (thromboxane A2 receptor; minus strand). Cytogenetic location: 19p13.3.
Variant type: Duplication.
Coding change: c.787-65_787-8dup on transcript NM_001060.6 (MANE Select); 65 bases into the intron before coding-DNA position 787 through 8 bases into the intron before coding-DNA position 787, 58 bases duplicated.
Molecular consequence: intron variant.
Genome position (GRCh38, 1-based): chr19:3,595,941-3,595,998, 58 bases duplicated. GRCh37 (hg19): chr19:3,595,943-3,596,000.
Other names: c.787-65_787-8dup (NM_201636.3).
Identifiers: ClinVar variation 4690536 (VCV004690536.1).